The following is an entry in ClinVar:

ClinVar aggregate classification (germline): Conflicting classifications of pathogenicity. Review status: criteria provided, conflicting classifications (1 of 4 stars). 2 submissions from 2 submitters: Uncertain significance (1); Likely benign (1). Last evaluated 2024-10-01.

Allele frequency attached by ClinVar (database versions not stated): 1000 Genomes Project 0.00020; 1000 Genomes Project 30x 0.00031; gnomAD 0.00046; ESP Exome Variant Server 0.00084.
gnomAD v4.1: 1,645 of 1,611,086 alleles (0.1%); highest among the groups gnomAD compares: Non-Finnish European, 0.13%; 1 homozygote.

Submissions (2):

CeGaT Center for Human Genetics Tuebingen
Classification: Likely benign. Last evaluated: 2024-10-01. Review status: criteria provided, single submitter. Criteria: CeGaT Center For Human Genetics Tuebingen Variant Classification Criteria Version 2. Collection method: clinical testing. Allele origin: germline. Affected: yes. Observed: 1 variant allele.
Comment: AHNAK2: BP4, BS2

Ambry Genetics
Classification: Uncertain significance. Last evaluated: 2024-04-19. Review status: criteria provided, single submitter. Criteria: Ambry Variant Classification Scheme 2023. Collection method: clinical testing. Allele origin: germline.

NM_138420.4(AHNAK2):c.9278C>T (p.Pro3093Leu)

Gene: AHNAK2 (AHNAK nucleoprotein 2; minus strand). Cytogenetic location: 14q32.33.
Variant type: single nucleotide variant.
Coding change: c.9278C>T on transcript NM_138420.4 (MANE Select); coding-DNA position 9278, C replaced by T.
Protein change: p.Pro3093Leu; replaces proline 3093 with leucine.
Molecular consequence: missense variant.
Genome position (GRCh38, 1-based): chr14:104,946,173, G>A on the plus strand (C>T on the coding strand, the complement: AHNAK2 is on the minus strand). VCF-style: chr14-104946173-G-A. GRCh37 (hg19) VCF-style: chr14-105412510-G-A.
Other names: c.8978C>T, p.Pro2993Leu (NM_001350929.2); short protein forms P3093L, P2993L.
Identifiers: ClinVar variation 2353871 (VCV002353871.17), dbSNP rs201803217, ClinGen allele CA7379695.
Genomic context (GRCh38, chr14:104,946,173, plus strand): 5'-ACATCCACCTCCATGCCGGGCTGAGACACCTCCACGTCGGGGGCCGTCACGTCCGTCTTC[G>A]GGCCTTTCAGGTCCAGCTTGGGGCCCTTGACATCTATCTGGGGTCCCTTGCGATCTACTT-3'
Protein context (NP_612429.2, residues 3083-3103): VKGPKLDLKG[Pro3093Leu]KTDVTAPDVE